The following is an entry in ClinVar:

ClinVar aggregate classification (germline): Pathogenic/Likely pathogenic. Review status: criteria provided, multiple submitters, no conflicts (2 of 4 stars). 6 submissions from 6 submitters: Pathogenic (4); Likely pathogenic (1). 1 of the submissions does not count toward it. Last evaluated 2026-08-06.

Conditions:
Hypotonia, ataxia, and delayed development syndrome (HADDS). Also called: EBF3 Neurodevelopmental Disorder. Identifiers: Orphanet 658843, MedGen C4310618, MONDO:0015021, OMIM 617330.
Inborn genetic diseases. Identifiers: MedGen C0950123, MeSH D030342.

Submissions (6):

OLLIN Analises Genomicas, OLLIN
Classification: Pathogenic for Hypotonia, ataxia, and delayed development syndrome. Last evaluated: 2026-08-06. Review status: criteria provided, single submitter. Criteria: ACMG Guidelines 2015 PMID 25741868. Collection method: clinical testing. Allele origin: de novo. Inheritance: Autosomal dominant inheritance.
Comment: This missense variant, located in exon 7 (of 17), is absent from gnomAD but has been reported in ClinVar (accession VCV000430930.11) and in the scientific literature, also being identified de novo and segregating with the phenotype, in individuals with EBF3 related disorders (PMID: 33102976, 29162653, 35468861). In silico analysis is inconclusive regarding the impact of this variant. Another pathogenic variant affecting the same amino acid residue has been reported (PMID: 29162653). This gene is constrained for missense variation. According to the currently available evidence, this variant has been classified as pathogenic (PS2, PS4_P, PM2_P, PM5, PP1, PP2).

Ambry Genetics
Classification: Pathogenic for Inborn genetic diseases. Last evaluated: 2024-01-11. Review status: criteria provided, single submitter. Criteria: Ambry Variant Classification Scheme 2023. Collection method: clinical testing. Allele origin: germline.
Comment: The c.626G>A (p.R209Q) alteration is located in coding exon 7 of the EBF3 gene. This alteration results from a G to A substitution at nucleotide position 626, causing the arginine (R) at amino acid position 209 to be replaced by a glutamine (Q). This variant was not reported in population-based cohorts in the Genome Aggregation Database (gnomAD). This variant has been determined to be the result of a de novo mutation in multiple individuals with features consistent with EBF3-related neurodevelopmental disorder (Tanaka, 2017; DECIPHER v.9.32; Ambry internal data). Another alteration at the same codon, c.625C>T (p.R209W), has been detected as de novo and mosaic in the mother in related individuals with intellectual disability, developmental delay, ataxia, seizures, and dysmorphic features (Harms, 2017). This amino acid position is highly conserved in available vertebrate species. This missense alteration is located in a region that has a low rate of benign missense variation (Lek, 2016; Firth, 2009). This alteration is predicted to be deleterious by in silico analysis. Based on the available evidence, this alteration is classified as pathogenic.

3billion
Classification: Pathogenic for Hypotonia, ataxia, and delayed development syndrome. Last evaluated: 2023-08-02. Review status: criteria provided, single submitter. Criteria: ACMG Guidelines, 2015. Collection method: clinical testing. Allele origin: germline. Affected: yes.
Comment: The variant is not observed in the gnomAD v2.1.1 dataset. Predicted Consequence/Location: Missense variant In silico tool predictions suggest damaging effect of the variant on gene or gene product [3Cnet: 0.99 (>=0.6, sensitivity 0.72 and precision 0.9)]. Same nucleotide change resulting in same amino acid change (ClinVar ID: VCV000430930 /PMID: 29162653) and a different missense change at the same codon (p.Arg209Trp / ClinVar ID: VCV000375494 /PMID: 28017373) have been previously reported as pathogenic/likely pathogenic with strong evidence.The variant has been previously reported as de novo in a similarly affected individual (PMID: 29162653). Therefore, this variant is classified as Pathogenic according to the recommendation of ACMG/AMP guideline.

GeneDx
Classification: Pathogenic. Last evaluated: 2022-06-11. Review status: criteria provided, single submitter. Criteria: GeneDx Variant Classification Process June 2021. Collection method: clinical testing. Allele origin: germline. Affected: yes.
Comment: Not observed at significant frequency in large population cohorts (gnomAD); In silico analysis supports that this missense variant has a deleterious effect on protein structure/function; This variant is associated with the following publications: (PMID: 28017373, 33102976, 29162653)

Laboratoire de Génétique Moléculaire, CHU Bordeaux
Classification: Likely pathogenic. Review status: criteria provided, single submitter. Criteria: ACMG Guidelines, 2015. Collection method: clinical testing. Allele origin: germline. Affected: yes.

GeneReviews
No classification provided. Condition: Hypotonia, ataxia, and delayed development syndrome. Review status: no classification provided. Collection method: literature only. Allele origin: germline. Not counted in ClinVar's aggregate classification.
Comment: Reported in 2 unrelated persons

Literature cited by the submitters: PubMed 33102976 (cited by OLLIN Analises Genomicas, OLLIN and GeneReviews); PubMed 29162653 (cited by 4 submitters); PubMed 35468861 (cited by OLLIN Analises Genomicas, OLLIN); PubMed 28017373 (cited by Ambry Genetics and 3billion); PubMed 33956416 (cited by GeneReviews).

NM_001375380.1(EBF3):c.626G>A (p.Arg209Gln)

Gene: EBF3 (EBF transcription factor 3; minus strand). Cytogenetic location: 10q26.3.
Variant type: single nucleotide variant.
Coding change: c.626G>A on transcript NM_001375380.1 (MANE Select); coding-DNA position 626, G replaced by A.
Protein change: p.Arg209Gln; replaces arginine 209 with glutamine.
Molecular consequence: missense variant.
Genome position (GRCh38, 1-based): chr10:129,877,778, C>T on the plus strand (G>A on the coding strand, the complement: EBF3 is on the minus strand). VCF-style: chr10-129877778-C-T. GRCh37 (hg19) VCF-style: chr10-131676042-C-T.
Other names: c.626G>A, p.Arg209Gln (NM_001005463.3, NM_001375379.1, NM_001375389.1 and 3 more transcripts); short protein forms R209Q.
Identifiers: ClinVar variation 430930 (VCV000430930.12), dbSNP rs1131692261, ClinGen allele CA378910241.
Genomic context (GRCh38, chr10:129,877,778, plus strand): 5'-TGGTATGAAAAGTCAGGACCACGGTCCACGTGTCTTTGAGAAATGTATACCTGGAATCTC[C>T]GCATATCTCGAGGGTTGCCTGCATTCTTCAAACAGTTCTGATTGCACTTGAGGAAAAACT-3'
Protein context (NP_001362309.1, residues 199-219): LKNAGNPRDM[Arg209Gln]RFQVVVSTTV